The following is an entry in ClinVar:

NM_000226.4(KRT9):c.23C>T (p.Ser8Leu)

Gene: KRT9 (keratin 9; minus strand). Cytogenetic location: 17q21.2.
Variant type: single nucleotide variant.
Coding change: c.23C>T on transcript NM_000226.4 (MANE Select); coding-DNA position 23, C replaced by T.
Protein change: p.Ser8Leu; replaces serine 8 with leucine.
Molecular consequence: missense variant.
Genome position (GRCh38, 1-based): chr17:41,571,970, G>A on the plus strand (C>T on the coding strand, the complement: KRT9 is on the minus strand). VCF-style: chr17-41571970-G-A. GRCh37 (hg19) VCF-style: chr17-39728222-G-A.
Other names: short protein forms S8L.
Identifiers: ClinVar variation 2293381 (VCV002293381.3), dbSNP rs759755813, ClinGen allele CA8562356.

ClinVar aggregate classification (germline): Uncertain significance. Review status: criteria provided, multiple submitters, no conflicts (2 of 4 stars). 2 submissions from 2 submitters: Uncertain significance (2). Last evaluated 2025-08-18.

Conditions:
Inborn genetic diseases. Identifiers: MedGen C0950123, MeSH D030342.

Allele frequency attached by ClinVar (database versions not stated): gnomAD 0.00003; TOPMed 0.00005; gnomAD exomes 0.00007.
gnomAD v4.1: 105 of 1,584,736 alleles (0.0066%); highest among the groups gnomAD compares: Admixed American, 0.023%; no homozygotes.

Submissions (2):

Labcorp Genetics (formerly Invitae), Labcorp
Classification: Uncertain significance. Last evaluated: 2025-08-18. Review status: criteria provided, single submitter. Criteria: Invitae Variant Classification Sherloc (09022015). Collection method: clinical testing. Allele origin: germline.
Comment: This sequence change replaces serine, which is neutral and polar, with leucine, which is neutral and non-polar, at codon 8 of the KRT9 protein (p.Ser8Leu). This variant is present in population databases (rs759755813, gnomAD 0.03%). This variant has not been reported in the literature in individuals affected with KRT9-related conditions. ClinVar contains an entry for this variant (Variation ID: 2293381). Invitae Evidence Modeling of protein sequence and biophysical properties (such as structural, functional, and spatial information, amino acid conservation, physicochemical variation, residue mobility, and thermodynamic stability) indicates that this missense variant is expected to disrupt KRT9 protein function with a positive predictive value of 95%. In summary, the available evidence is currently insufficient to determine the role of this variant in disease. Therefore, it has been classified as a Variant of Uncertain Significance.

Ambry Genetics
Classification: Uncertain significance for Inborn genetic diseases. Last evaluated: 2022-11-18. Review status: criteria provided, single submitter. Criteria: Ambry Variant Classification Scheme 2023. Collection method: clinical testing. Allele origin: germline.